The following is an entry in ClinVar:

NM_000428.3(LTBP2):c.4960G>A (p.Gly1654Ser)

Gene: LTBP2 (latent transforming growth factor beta binding protein 2; minus strand). Cytogenetic location: 14q24.3.
Variant type: single nucleotide variant.
Coding change: c.4960G>A on transcript NM_000428.3 (MANE Select); coding-DNA position 4960, G replaced by A.
Protein change: p.Gly1654Ser; replaces glycine 1654 with serine.
Molecular consequence: missense variant.
Genome position (GRCh38, 1-based): chr14:74,502,863, C>T on the plus strand (G>A on the coding strand, the complement: LTBP2 is on the minus strand). VCF-style: chr14-74502863-C-T. GRCh37 (hg19) VCF-style: chr14-74969566-C-T.
Other names: c.4960G>A (NM_000428.2); short protein forms G1654S.
Identifiers: ClinVar variation 2055135 (VCV002055135.2), dbSNP rs774203705, ClinGen allele CA7268563.
Genomic context (GRCh38, chr14:74,502,863, plus strand): 5'-CCCCATCTGGGCCATAGATGCTGTAGTGCAGGTCATCGGGCCCGGGGCCATACTCATAGC[C>T]TGGCCGGAAGTGGACCCCGGCCTCCCGCTCTGCCTCAATGCGAGCCACGTTGCACAGCTG-3'
Protein context (NP_000419.1, residues 1644-1664): EREAGVHFRP[Gly1654Ser]YEYGPGPDDL

ClinVar aggregate classification (germline): Uncertain significance. Review status: criteria provided, multiple submitters, no conflicts (2 of 4 stars). 2 submissions from 2 submitters: Uncertain significance (2). Last evaluated 2025-04-15.

Conditions:
Inborn genetic diseases. Identifiers: MedGen C0950123, MeSH D030342.

Allele frequency attached by ClinVar (database versions not stated): gnomAD 0.00002; ExAC 0.00008; TOPMed 0.00006; gnomAD exomes 0.00007.
gnomAD v4.1: 46 of 1,613,954 alleles (0.0029%); highest among the groups gnomAD compares: Admixed American, 0.07%; no homozygotes.

Submissions (2):

Ambry Genetics
Classification: Uncertain significance for Inborn genetic diseases. Last evaluated: 2025-04-15. Review status: criteria provided, single submitter. Criteria: Ambry Variant Classification Scheme 2023. Collection method: clinical testing. Allele origin: germline.

Labcorp Genetics (formerly Invitae), Labcorp
Classification: Uncertain significance. Last evaluated: 2022-08-09. Review status: criteria provided, single submitter. Criteria: Invitae Variant Classification Sherloc (09022015). Collection method: clinical testing. Allele origin: germline.
Comment: This sequence change replaces glycine, which is neutral and non-polar, with serine, which is neutral and polar, at codon 1654 of the LTBP2 protein (p.Gly1654Ser). This variant is present in population databases (rs774203705, gnomAD 0.1%). This variant has not been reported in the literature in individuals affected with LTBP2-related conditions. Algorithms developed to predict the effect of missense changes on protein structure and function (SIFT, PolyPhen-2, Align-GVGD) all suggest that this variant is likely to be disruptive. In summary, the available evidence is currently insufficient to determine the role of this variant in disease. Therefore, it has been classified as a Variant of Uncertain Significance.